The following is an entry in ClinVar:

ClinVar aggregate classification (germline): Uncertain significance (1 of 4 stars; one submission).

Conditions:
Hereditary spastic paraplegia 11. Also called: SPASTIC PARAPLEGIA, AUTOSOMAL RECESSIVE, COMPLICATED, WITH THIN CORPUS CALLOSUM; SPASTIC PARAPLEGIA, AUTOSOMAL RECESSIVE, WITH MENTAL IMPAIRMENT AND THIN CORPUS CALLOSUM; Nakamura Osame syndrome; Autosomal recessive hereditary spastic paraplegia, mental impairment, and thin corpus callosum; Spastic paraplegia, mental retardation and thin corpus callosum; Spastic Paraplegia 11. Identifiers: Orphanet 2822, MedGen C1858479, MONDO:0011445, OMIM 604360.

Allele frequency attached by ClinVar (database versions not stated): gnomAD exomes below 0.00001; gnomAD 0.00001.
gnomAD v4.1: 5 of 1,613,968 alleles (0.00031%); highest among the groups gnomAD compares: East Asian, 0.0022%; no homozygotes.

Submission:

Labcorp Genetics (formerly Invitae), Labcorp
Classification: Uncertain significance for Hereditary spastic paraplegia 11. Last evaluated: 2019-12-05. Review status: criteria provided, single submitter. Criteria: Invitae Variant Classification Sherloc (09022015). Collection method: clinical testing. Allele origin: germline.
Comment: In summary, this variant is a rare missense change with uncertain impact on protein function. There is no indication that it causes disease, but the available evidence is currently insufficient to prove that conclusively. Therefore, it has been classified as a Variant of Uncertain Significance. Algorithms developed to predict the effect of missense changes on protein structure and function do not agree on the potential impact of this missense change (SIFT: "Deleterious"; PolyPhen-2: "Possibly Damaging"; Align-GVGD: "Class C0"). This variant is present in population databases (gnomAD, 0.0009%) but has not been reported in the literature in individuals with an SPG11-related disease. This sequence change replaces isoleucine with threonine at codon 2231 of the SPG11 protein (p.Ile2231Thr). The isoleucine residue is highly conserved and there is a moderate physicochemical difference between isoleucine and threonine.

NM_025137.4(SPG11):c.6692T>C (p.Ile2231Thr)

Gene: SPG11 (SPG11 vesicle trafficking associated, spatacsin; minus strand). Cytogenetic location: 15q21.1.
Variant type: single nucleotide variant.
Coding change: c.6692T>C on transcript NM_025137.4 (MANE Select); coding-DNA position 6692, T replaced by C.
Protein change: p.Ile2231Thr; replaces isoleucine 2231 with threonine.
Molecular consequence: missense variant.
Genome position (GRCh38, 1-based): chr15:44,567,486, A>G on the plus strand (T>C on the coding strand, the complement: SPG11 is on the minus strand). VCF-style: chr15-44567486-A-G. GRCh37 (hg19) VCF-style: chr15-44859684-A-G.
Other names: c.6353T>C, p.Ile2118Thr (NM_001160227.2); short protein forms I2231T, I2118T.
Identifiers: ClinVar variation 466562 (VCV000466562.8), dbSNP rs1363230897, ClinGen allele CA392214901.